The following is an entry in ClinVar:

ClinVar aggregate classification (germline): Uncertain significance (1 of 4 stars; one submission).

Submission:

Labcorp Genetics (formerly Invitae), Labcorp
Classification: Uncertain significance. Last evaluated: 2023-07-13. Review status: criteria provided, single submitter. Criteria: Invitae Variant Classification Sherloc (09022015). Collection method: clinical testing. Allele origin: germline.
Comment: Advanced modeling of protein sequence and biophysical properties (such as structural, functional, and spatial information, amino acid conservation, physicochemical variation, residue mobility, and thermodynamic stability) performed at Invitae indicates that this missense variant is expected to disrupt MYH14 protein function. In summary, the available evidence is currently insufficient to determine the role of this variant in disease. Therefore, it has been classified as a Variant of Uncertain Significance. This variant has not been reported in the literature in individuals affected with MYH14-related conditions. This sequence change replaces proline, which is neutral and non-polar, with arginine, which is basic and polar, at codon 860 of the MYH14 protein (p.Pro860Arg). This variant is not present in population databases (gnomAD no frequency).

NM_001145809.2(MYH14):c.2702C>G (p.Pro901Arg)

Gene: MYH14 (myosin heavy chain 14; plus strand). Cytogenetic location: 19q13.33.
Variant type: single nucleotide variant.
Coding change: c.2702C>G on transcript NM_001145809.2 (MANE Select); coding-DNA position 2702, C replaced by G.
Protein change: p.Pro901Arg; replaces proline 901 with arginine.
Molecular consequence: missense variant.
Genome position (GRCh38, 1-based): chr19:50,266,884, C>G. VCF-style: chr19-50266884-C-G. GRCh37 (hg19) VCF-style: chr19-50770141-C-G.
Other names: c.2603C>G, p.Pro868Arg (NM_001077186.2); c.2579C>G, p.Pro860Arg (NM_024729.4); short protein forms P868R, P901R, P860R.
Identifiers: ClinVar variation 2852979 (VCV002852979.3), dbSNP rs1600982355, ClinGen allele CA406947512.
Genomic context (GRCh38, chr19:50,266,884, plus strand): 5'-GTGAGGTCTTGGCGCCTGAAGTCAGCCATTCCACCCCTTTCACCTCCACCTAGGTGAAGC[C>G]ACTGCTGCAGGTGACGCGGCAGGATGAGGTGCTGCAGGCACGGGCCCAGGAGCTGCAGAA-3'
Protein context (NP_001139281.1, residues 891-911): QWWRLFTKVK[Pro901Arg]LLQVTRQDEV